The following is an entry in ClinVar:

ClinVar aggregate classification (germline): Likely benign (1 of 4 stars; one submission).

gnomAD v4.1: 9 of 1,611,398 alleles (0.00056%); highest among the groups gnomAD compares: Non-Finnish European, 0.00076%; no homozygotes.

Submission:

CeGaT Center for Human Genetics Tuebingen
Classification: Likely benign. Last evaluated: 2025-09-01. Review status: criteria provided, single submitter. Criteria: CeGaT Center For Human Genetics Tuebingen Variant Classification Criteria Version 2. Collection method: clinical testing. Allele origin: germline. Affected: yes. Observed: 1 variant allele.
Comment: MECOM: BP4

NM_004991.4(MECOM):c.65C>T (p.Pro22Leu)

Gene: MECOM (MDS1 and EVI1 complex locus; minus strand). Cytogenetic location: 3q26.2.
Variant type: single nucleotide variant.
Coding change: c.65C>T on transcript NM_004991.4 (MANE Select); coding-DNA position 65, C replaced by T.
Protein change: p.Pro22Leu; replaces proline 22 with leucine.
Molecular consequence: missense variant. On other transcripts: intron variant (1).
Genome position (GRCh38, 1-based): chr3:169,381,497, G>A on the plus strand (C>T on the coding strand, the complement: MECOM is on the minus strand). VCF-style: chr3-169381497-G-A. GRCh37 (hg19) VCF-style: chr3-169099285-G-A.
Other names: c.65C>T, p.Pro22Leu (NM_001366466.2, NM_001366473.2); c.-189-237665C>T (NM_001205194.2); short protein forms P22L.
Identifiers: ClinVar variation 4084782 (VCV004084782.8).